The following is an entry in ClinVar:

NM_005413.4(SIX3):c.850G>C (p.Ala284Pro)

Gene: SIX3 (SIX homeobox 3; plus strand). Cytogenetic location: 2p21.
Variant type: single nucleotide variant.
Coding change: c.850G>C on transcript NM_005413.4 (MANE Select); coding-DNA position 850, G replaced by C.
Protein change: p.Ala284Pro; replaces alanine 284 with proline.
Molecular consequence: missense variant.
Genome position (GRCh38, 1-based): chr2:44,944,611, G>C. VCF-style: chr2-44944611-G-C. GRCh37 (hg19) VCF-style: chr2-45171750-G-C.
Other names: short protein forms A284P.
Identifiers: ClinVar variation 3902087 (VCV003902087.1).

ClinVar aggregate classification (germline): Uncertain significance (1 of 4 stars; one submission).

Submission:

Women's Health and Genetics/Laboratory Corporation of America, LabCorp
Classification: Uncertain significance. Last evaluated: 2025-05-20. Review status: criteria provided, single submitter. Criteria: LabCorp Variant Classification Summary - May 2015. Collection method: clinical testing. Allele origin: germline.
Comment: Variant summary: SIX3 c.850G>C (p.Ala284Pro) results in a non-conservative amino acid change in the encoded protein sequence. Algorithms developed to predict the effect of missense changes on protein structure and function are either unavailable or do not agree on the potential impact of this missense change. The variant allele was found at a frequency of 2.7e-05 in 186634 control chromosomes. The available data on variant occurrences in the general population are insufficient to allow any conclusion about variant significance. c.850G>C has been observed in individual(s) affected with SIX3-Related Disorders (Lacbawan_2009). These report(s) do not provide unequivocal conclusions about association of the variant with SIX3-Related Disorders. To our knowledge, no experimental evidence demonstrating an impact on protein function has been reported. The following publication have been ascertained in the context of this evaluation (PMID: 19346217). No submitters have cited clinical-significance assessments for this variant to ClinVar. Based on the evidence outlined above, the variant was classified as uncertain significance.

Literature cited by the submitters: PubMed 19346217.